The following is an entry in ClinVar:

ClinVar aggregate classification (germline): Likely benign (1 of 4 stars; one submission).

Conditions:
CDH23-related disorder. Also called: CDH23-related condition; CDH23-related disorders.

Submission:

PreventionGenetics, part of Exact Sciences
Classification: Likely benign for CDH23-related condition. Last evaluated: 2025-01-02. Review status: criteria provided, single submitter. Criteria: ACMG Guidelines, 2015. Collection method: clinical testing. Allele origin: germline.
Comment: This variant is classified as likely benign based on ACMG/AMP sequence variant interpretation guidelines (Richards et al. 2015 PMID: 25741868, with internal and published modifications).

NM_022124.6(CDH23):c.8280C>T (p.Pro2760=)

Gene: CDH23 (cadherin related 23; plus strand). Cytogenetic location: 10q22.1.
Variant type: single nucleotide variant.
Coding change: c.8280C>T on transcript NM_022124.6 (MANE Select); coding-DNA position 8280, C replaced by T.
Protein change: p.Pro2760=; no amino-acid change (proline 2760 retained).
Molecular consequence: synonymous variant.
Genome position (GRCh38, 1-based): chr10:71,807,378, C>T. VCF-style: chr10-71807378-C-T. GRCh37 (hg19) VCF-style: chr10-73567135-C-T.
Other names: c.1560C>T, p.Pro520= (NM_001171933.1, NM_001171934.1).
Identifiers: ClinVar variation 4985154 (VCV004985154.1).